The following is an entry in ClinVar:

NM_000428.3(LTBP2):c.2213G>C (p.Arg738Pro)

Gene: LTBP2 (latent transforming growth factor beta binding protein 2; minus strand). Cytogenetic location: 14q24.3.
Variant type: single nucleotide variant.
Coding change: c.2213G>C on transcript NM_000428.3 (MANE Select); coding-DNA position 2213, G replaced by C.
Protein change: p.Arg738Pro; replaces arginine 738 with proline.
Molecular consequence: missense variant.
Genome position (GRCh38, 1-based): chr14:74,528,638, C>G on the plus strand (G>C on the coding strand, the complement: LTBP2 is on the minus strand). VCF-style: chr14-74528638-C-G. GRCh37 (hg19) VCF-style: chr14-74995341-C-G.
Other names: short protein forms R738P.
Identifiers: ClinVar variation 2182253 (VCV002182253.4), dbSNP rs758392845, ClinGen allele CA390394855.

ClinVar aggregate classification (germline): Uncertain significance (1 of 4 stars; one submission).

Submission:

Labcorp Genetics (formerly Invitae), Labcorp
Classification: Uncertain significance. Last evaluated: 2022-04-10. Review status: criteria provided, single submitter. Criteria: Invitae Variant Classification Sherloc (09022015). Collection method: clinical testing. Allele origin: germline.
Comment: In summary, the available evidence is currently insufficient to determine the role of this variant in disease. Therefore, it has been classified as a Variant of Uncertain Significance. Algorithms developed to predict the effect of missense changes on protein structure and function (SIFT, PolyPhen-2, Align-GVGD) all suggest that this variant is likely to be disruptive. This variant has not been reported in the literature in individuals affected with LTBP2-related conditions. This variant is not present in population databases (gnomAD no frequency). This sequence change replaces arginine, which is basic and polar, with proline, which is neutral and non-polar, at codon 738 of the LTBP2 protein (p.Arg738Pro).